The following is an entry in ClinVar:

ClinVar aggregate classification (germline): Uncertain significance (1 of 4 stars; one submission).

Allele frequency attached by ClinVar (database versions not stated): gnomAD exomes below 0.00001.

Submission:

Ambry Genetics
Classification: Uncertain significance. Last evaluated: 2022-10-27. Review status: criteria provided, single submitter. Criteria: Ambry Variant Classification Scheme 2023. Collection method: clinical testing. Allele origin: germline.
Comment: The p.D282Y variant (also known as c.844G>T), located in coding exon 3 of the TERF2IP gene, results from a G to T substitution at nucleotide position 844. The aspartic acid at codon 282 is replaced by tyrosine, an amino acid with highly dissimilar properties. This amino acid position is conserved. In addition, this alteration is predicted to be tolerated by in silico analysis. Since supporting evidence is limited at this time, the clinical significance of this alteration remains unclear.

NM_018975.4(TERF2IP):c.844G>T (p.Asp282Tyr)

Gene: TERF2IP (TERF2 interacting protein; plus strand). Cytogenetic location: 16q23.1.
Variant type: single nucleotide variant.
Coding change: c.844G>T on transcript NM_018975.4 (MANE Select); coding-DNA position 844, G replaced by T.
Protein change: p.Asp282Tyr; replaces aspartic acid 282 with tyrosine.
Molecular consequence: missense variant. On other transcripts: non-coding transcript variant (1).
Genome position (GRCh38, 1-based): chr16:75,656,255, G>T. VCF-style: chr16-75656255-G-T. GRCh37 (hg19) VCF-style: chr16-75690153-G-T.
Other names: short protein forms D282Y.
Identifiers: ClinVar variation 1763435 (VCV001763435.2), dbSNP rs2082384721, ClinGen allele CA396819704.